The following is an entry in ClinVar:

ClinVar aggregate classification (germline): Likely benign (1 of 4 stars; one submission).

Conditions:
KCNQ1-related disorder. Also called: KCNQ1-related disorders; KCNQ1-related condition. Identifiers: MedGen CN239322.

gnomAD v4.1: 32 of 398,536 alleles (0.008%); highest among the groups gnomAD compares: Non-Finnish European, 0.013%; no homozygotes.

Submission:

PreventionGenetics, part of Exact Sciences
Classification: Likely benign for KCNQ1-related condition. Last evaluated: 2026-04-10. Review status: criteria provided, single submitter. Criteria: ACMG Guidelines, 2015. Collection method: clinical testing. Allele origin: germline.
Comment: This variant is classified as likely benign based on ACMG/AMP sequence variant interpretation guidelines (Richards et al. 2015 PMID: 25741868, with internal and published modifications).

NM_000218.3(KCNQ1):c.1514+852T>C

Genes: KCNQ1 (potassium voltage-gated channel subfamily Q member 1; plus strand), KCNQ1OT1 (KCNQ1 opposite strand/antisense transcript 1; minus strand). Cytogenetic location: 11p15.5.
Variant type: single nucleotide variant.
Coding change: c.1514+852T>C on transcript NM_000218.3 (MANE Select); 852 bases into the intron after coding-DNA position 1514, T replaced by C.
Molecular consequence: intron variant. On other transcripts: non-coding transcript variant (1).
Genome position (GRCh38, 1-based): chr11:2,662,933, T>C. VCF-style: chr11-2662933-T-C. GRCh37 (hg19) VCF-style: chr11-2684163-T-C.
Other names: c.1244+852T>C (NM_001406837.1); c.1418+852T>C (NM_001406836.1); c.974+852T>C (NM_001406838.1); c.1133+852T>C (NM_181798.2).
Identifiers: ClinVar variation 4987226 (VCV004987226.1).